The following is an entry in ClinVar:

ClinVar aggregate classification (germline): Uncertain significance (1 of 4 stars; one submission).

Allele frequency attached by ClinVar (database versions not stated): gnomAD 0.00001.
gnomAD v4.1: 4 of 1,614,112 alleles (0.00025%); highest among the groups gnomAD compares: Non-Finnish European, 0.00034%; no homozygotes.

Submission:

Labcorp Genetics (formerly Invitae), Labcorp
Classification: Uncertain significance. Last evaluated: 2022-09-01. Review status: criteria provided, single submitter. Criteria: Invitae Variant Classification Sherloc (09022015). Collection method: clinical testing. Allele origin: germline.
Comment: This sequence change replaces leucine, which is neutral and non-polar, with valine, which is neutral and non-polar, at codon 31 of the ATIC protein (p.Leu31Val). This variant is not present in population databases (gnomAD no frequency). This variant has not been reported in the literature in individuals affected with ATIC-related conditions. Algorithms developed to predict the effect of missense changes on protein structure and function are either unavailable or do not agree on the potential impact of this missense change (SIFT: "Deleterious"; PolyPhen-2: "Possibly Damaging"; Align-GVGD: "Class C0"). In summary, the available evidence is currently insufficient to determine the role of this variant in disease. Therefore, it has been classified as a Variant of Uncertain Significance.

NM_004044.7(ATIC):c.91C>G (p.Leu31Val)

Gene: ATIC (5-aminoimidazole-4-carboxamide ribonucleotide formyltransferase/IMP cyclohydrolase; plus strand). Cytogenetic location: 2q35.
Variant type: single nucleotide variant.
Coding change: c.91C>G on transcript NM_004044.7 (MANE Select); coding-DNA position 91, C replaced by G.
Protein change: p.Leu31Val; replaces leucine 31 with valine.
Molecular consequence: missense variant.
Genome position (GRCh38, 1-based): chr2:215,312,569, C>G. VCF-style: chr2-215312569-C-G. GRCh37 (hg19) VCF-style: chr2-216177292-C-G.
Other names: short protein forms L31V.
Identifiers: ClinVar variation 1947242 (VCV001947242.2), dbSNP rs1228270863, ClinGen allele CA350466265.
Genomic context (GRCh38, chr2:215,312,569, plus strand): 5'-GTCTCTGACAAAACCGGCCTTGTGGAATTTGCAAGAAACCTGACCGCTCTTGGTTTGAAT[C>G]TGGTCGCTTCCGGAGGGACTGCAAAAGCTCTCAGGGATGCTGGTCTGGCAGTCAGGTAAG-3'
Protein context (NP_004035.2, residues 21-41): ARNLTALGLN[Leu31Val]VASGGTAKAL